The following is an entry in ClinVar:

ClinVar aggregate classification (germline): Benign. Review status: criteria provided, multiple submitters, no conflicts (2 of 4 stars). 2 submissions from 2 submitters: Benign (2). Last evaluated 2018-01-13.

Conditions:
Thyroid hormone resistance, generalized, autosomal dominant (GRTHD). Also called: HYPERTHYROXINEMIA, FAMILIAL EUTHYROID, SECONDARY TO PITUITARY AND PERIPHERAL RESISTANCE TO THYROID HORMONES. Identifiers: MedGen C2937288, MONDO:0008569, OMIM 188570.

Allele frequency attached by ClinVar (database versions not stated): gnomAD exomes 0.05000; gnomAD 0.11634; TOPMed 0.12765; 1000 Genomes Project 0.12979; 1000 Genomes Project 30x 0.13023.
gnomAD v4.1: 19,262 of 152,044 alleles (13%); highest among the groups gnomAD compares: South Asian, 21%; 1,372 homozygotes.

Submissions (2):

Illumina Laboratory Services, Illumina
Classification: Benign for Thyroid hormone resistance, generalized, autosomal dominant. Last evaluated: 2018-01-13. Review status: criteria provided, single submitter. Criteria: ICSL Variant Classification Criteria 13 December 2019. Collection method: clinical testing. Allele origin: germline.
Comment: This variant was observed in the ICSL laboratory as part of a predisposition screen in an ostensibly healthy population. It had not been previously curated by ICSL or reported in the Human Gene Mutation Database (HGMD: prior to June 1st, 2018), and was therefore a candidate for classification through an automated scoring system. Utilizing variant allele frequency, disease prevalence and penetrance estimates, and inheritance mode, an automated score was calculated to assess if this variant is too frequent to cause the disease. Based on the score and internal cut-off values, a variant classified as benign is not then subjected to further curation. The score for this variant resulted in a classification of benign for this disease.

Breakthrough Genomics
Classification: Benign. Review status: criteria provided, single submitter. Criteria: ACMG Guidelines, 2015. Collection method: not provided. Allele origin: germline. Inheritance: Autosomal recessive inheritance. Affected: yes.

NM_001354712.2(THRB):c.*2882G>A

Gene: THRB (thyroid hormone receptor beta; minus strand). Cytogenetic location: 3p24.2.
Variant type: single nucleotide variant.
Coding change: c.*2882G>A on transcript NM_001354712.2 (MANE Select); 2882 bases downstream of the stop codon, G replaced by A.
Molecular consequence: 3 prime UTR variant.
Genome position (GRCh38, 1-based): chr3:24,120,002, C>T on the plus strand (G>A on the coding strand, the complement: THRB is on the minus strand). VCF-style: chr3-24120002-C-T. GRCh37 (hg19) VCF-style: chr3-24161493-C-T.
Other names: c.*2882G>A (NM_000461.5, NM_001128176.3, NM_001128177.2 and 8 more transcripts).
Identifiers: ClinVar variation 344584 (VCV000344584.6), dbSNP rs79270057, ClinGen allele CA10618352.